The following is an entry in ClinVar:

ClinVar aggregate classification (germline): Uncertain significance (1 of 4 stars; one submission).

Conditions:
Primary ciliary dyskinesia. Also called: Ciliary dyskinesia. Identifiers: Orphanet 244, MedGen C0008780, MONDO:0016575, HP:0012265.

Allele frequency attached by ClinVar (database versions not stated): gnomAD exomes below 0.00001; TOPMed below 0.00001; gnomAD 0.00001.
gnomAD v4.1: 6 of 1,612,550 alleles (0.00037%); highest among the groups gnomAD compares: Middle Eastern, 0.017%; no homozygotes.

Submission:

Labcorp Genetics (formerly Invitae), Labcorp
Classification: Uncertain significance for Primary ciliary dyskinesia. Last evaluated: 2023-08-04. Review status: criteria provided, single submitter. Criteria: Invitae Variant Classification Sherloc (09022015). Collection method: clinical testing. Allele origin: germline.
Comment: In summary, the available evidence is currently insufficient to determine the role of this variant in disease. Therefore, it has been classified as a Variant of Uncertain Significance. Advanced modeling of protein sequence and biophysical properties (such as structural, functional, and spatial information, amino acid conservation, physicochemical variation, residue mobility, and thermodynamic stability) performed at Invitae indicates that this missense variant is not expected to disrupt DNAH5 protein function. ClinVar contains an entry for this variant (Variation ID: 2154460). This variant has not been reported in the literature in individuals affected with DNAH5-related conditions. This variant is not present in population databases (gnomAD no frequency). This sequence change replaces isoleucine, which is neutral and non-polar, with methionine, which is neutral and non-polar, at codon 4302 of the DNAH5 protein (p.Ile4302Met).

NM_001369.3(DNAH5):c.12906C>G (p.Ile4302Met)

Gene: DNAH5 (dynein axonemal heavy chain 5; minus strand). Cytogenetic location: 5p15.2.
Variant type: single nucleotide variant.
Coding change: c.12906C>G on transcript NM_001369.3 (MANE Select); coding-DNA position 12906, C replaced by G.
Protein change: p.Ile4302Met; replaces isoleucine 4302 with methionine.
Molecular consequence: missense variant.
Genome position (GRCh38, 1-based): chr5:13,716,490, G>C on the plus strand (C>G on the coding strand, the complement: DNAH5 is on the minus strand). VCF-style: chr5-13716490-G-C. GRCh37 (hg19) VCF-style: chr5-13716599-G-C.
Other names: short protein forms I4302M.
Identifiers: ClinVar variation 2154460 (VCV002154460.2), dbSNP rs113914833, ClinGen allele CA113918586.